The following is an entry in ClinVar:

NM_032737.4(LMNB2):c.472C>T (p.Arg158Trp)

Gene: LMNB2 (lamin B2; minus strand). Cytogenetic location: 19p13.3.
Variant type: single nucleotide variant.
Coding change: c.472C>T on transcript NM_032737.4 (MANE Select); coding-DNA position 472, C replaced by T.
Protein change: p.Arg158Trp; replaces arginine 158 with tryptophan.
Molecular consequence: missense variant.
Genome position (GRCh38, 1-based): chr19:2,438,461, G>A on the plus strand (C>T on the coding strand, the complement: LMNB2 is on the minus strand). VCF-style: chr19-2438461-G-A. GRCh37 (hg19) VCF-style: chr19-2438459-G-A.
Other names: short protein forms R158W.
Identifiers: ClinVar variation 988583 (VCV000988583.11), dbSNP rs1410022707, ClinGen allele CA403257798.

ClinVar aggregate classification (germline): Uncertain significance. Review status: criteria provided, single submitter (1 of 4 stars). 2 submissions from 2 submitters: Uncertain significance (1). 1 of the submissions does not count toward it. Last evaluated 2020-10-03.

Conditions:
Generalized myoclonic seizure. Also called: Generalized myoclonic seizures; Myoclonic seizures. Identifiers: MedGen C4021759, HP:0002123.
Lipodystrophy, partial, acquired, susceptibility to (APLD). Also called: APLD, SUSCEPTIBILITY TO. Identifiers: MedGen C3887501, MONDO:0100476, OMIM 608709.
Progressive myoclonic epilepsy type 9. Identifiers: Orphanet 457265, MedGen C4225289, MONDO:0014685, OMIM 616540.

Allele frequency attached by ClinVar (database versions not stated): gnomAD exomes below 0.00001 and 0.00001; TOPMed below 0.00001; gnomAD 0.00001.
gnomAD v4.1: 7 of 1,611,992 alleles (0.00043%); highest among the groups gnomAD compares: Non-Finnish European, 0.00034%; no homozygotes.

Submissions (2):

Labcorp Genetics (formerly Invitae), Labcorp
Classification: Uncertain significance for Progressive myoclonic epilepsy type 9; Lipodystrophy, partial, acquired, susceptibility to. Last evaluated: 2020-10-03. Review status: criteria provided, single submitter. Criteria: Invitae Variant Classification Sherloc (09022015). Collection method: clinical testing. Allele origin: germline.
Comment: This sequence change replaces arginine with tryptophan at codon 158 of the LMNB2 protein (p.Arg158Trp). The arginine residue is highly conserved and there is a moderate physicochemical difference between arginine and tryptophan. In summary, the available evidence is currently insufficient to determine the role of this variant in disease. Therefore, it has been classified as a Variant of Uncertain Significance. Algorithms developed to predict the effect of missense changes on protein structure and function (SIFT, PolyPhen-2, Align-GVGD) all suggest that this variant is likely to be disruptive, but these predictions have not been confirmed by published functional studies and their clinical significance is uncertain. This variant has not been reported in the literature in individuals with LMNB2-related conditions. This variant is not present in population databases (ExAC no frequency).

Human Genetics Department, Tarbiat Modares University
Classification: Uncertain significance for Generalized myoclonic seizure. Last evaluated: 2019-08-01. Review status: no assertion criteria provided. Collection method: clinical testing. Allele origin: inherited. Inheritance: Autosomal recessive inheritance. Affected: yes. Observed: 1 homozygote. Not counted in ClinVar's aggregate classification.
Comment: Conservational analyses, i.e. in nucleotide and amino acid levels, showed that the c.472C of LMNB2 is located in a highly conserved region, underscoring this possibility that abnormality in lamin B can ipso facto contribute to the patientsâ€™ brain manifestations. Data analyses using DynaMut and I-Mutant2.0 showed that the substitution can pose the protein on the danger of instability (Free Energy change value < 0).